The following is an entry in ClinVar:

NM_024675.4(PALB2):c.48+3G>A

Gene: PALB2 (partner and localizer of BRCA2; minus strand). Cytogenetic location: 16p12.2.
Variant type: single nucleotide variant.
Coding change: c.48+3G>A on transcript NM_024675.4 (MANE Select); 3 bases into the intron after coding-DNA position 48, G replaced by A.
Molecular consequence: intron variant.
Genome position (GRCh38, 1-based): chr16:23,641,107, C>T on the plus strand (G>A on the coding strand, the complement: PALB2 is on the minus strand). VCF-style: chr16-23641107-C-T. GRCh37 (hg19) VCF-style: chr16-23652428-C-T.
Other names: c.-1693G>A (NM_001407304.1, NM_001407310.1).
Identifiers: ClinVar variation 2098580 (VCV002098580.4), dbSNP rs748854938, ClinGen allele CA279505257.

ClinVar aggregate classification (germline): Uncertain significance (1 of 4 stars; one submission).

Conditions:
Familial cancer of breast. Also called: Hereditary breast cancer; BREAST CANCER, FAMILIAL; hereditary breast carcinoma. Identifiers: Orphanet 227535, MedGen C0346153, MONDO:0016419, OMIM 114480. Disease mechanism: loss of function.

Submission:

Labcorp Genetics (formerly Invitae), Labcorp
Classification: Uncertain significance for Familial cancer of breast. Last evaluated: 2022-02-18. Review status: criteria provided, single submitter. Criteria: Invitae Variant Classification Sherloc (09022015). Collection method: clinical testing. Allele origin: germline.
Comment: This sequence change falls in intron 1 of the PALB2 gene. It does not directly change the encoded amino acid sequence of the PALB2 protein. It affects a nucleotide within the consensus splice site. This variant is not present in population databases (gnomAD no frequency). This variant has not been reported in the literature in individuals affected with PALB2-related conditions. Variants that disrupt the consensus splice site are a relatively common cause of aberrant splicing (PMID: 17576681, 9536098). Algorithms developed to predict the effect of sequence changes on RNA splicing suggest that this variant may disrupt the consensus splice site. In summary, the available evidence is currently insufficient to determine the role of this variant in disease. Therefore, it has been classified as a Variant of Uncertain Significance.

Literature cited by the submitters: PubMed 17576681; PubMed 9536098.